The following is an entry in ClinVar:

ClinVar aggregate classification (germline): Pathogenic/Likely pathogenic. Review status: criteria provided, multiple submitters, no conflicts (2 of 4 stars). 10 submissions from 10 submitters: Pathogenic (7); Likely pathogenic (1). 2 of the submissions do not count toward it. Last evaluated 2026-03-26.

Conditions:
CYP4V2-related disorder. Also called: CYP4V2-related condition; CYP4V2-related disorders.
Bietti crystalline corneoretinal dystrophy (BCD). Also called: BIETTI TAPETORETINAL DEGENERATION WITH MARGINAL CORNEAL DYSTROPHY; Bietti Crystalline Dystrophy. Identifiers: Orphanet 41751, MedGen C1859486, MONDO:0008865, OMIM 210370.

Allele frequency attached by ClinVar (database versions not stated): gnomAD 0.00001; gnomAD exomes 0.00001 and 0.00008; TOPMed 0.00003; ExAC 0.00007.
gnomAD v4.1: 21 of 1,614,076 alleles (0.0013%); highest among the groups gnomAD compares: East Asian, 0.047%; no homozygotes.

Submissions (10):

PreventionGenetics, part of Exact Sciences
Classification: Pathogenic for CYP4V2-related condition. Last evaluated: 2026-03-26. Review status: criteria provided, single submitter. Criteria: ACMG Guidelines, 2015. Collection method: clinical testing. Allele origin: germline.
Comment: The CYP4V2 c.992A>C variant is predicted to result in the amino acid substitution p.His331Pro. This variant was reported, in the homozygous state or in the heterozygous state along with a second possible causative variant in the same gene, in individuals with Bietti crystalline corneoretinal dystrophy or retinal degeneration (see, for example, Li et al. 2004. PubMed ID: 15042513; supplementary data, Huang et al. 2014. PubMed ID: 25356976; Liu et al. 2015. PubMed ID: 25611614; Chen et al. 2020. PubMed ID: 31872526; Dan et al. 2020. PubMed ID: 31960602; supplementary data, Chen et al. 2021. PubMed ID: 33608557; supplementary data, Ma et al. 2021. PubMed ID: 33691693; Sheck et al. 2021. PubMed ID: 33749171). In vitro functional studies indicate that the resulting variant protein may be unstable (Nakano et al. 2012. PubMed ID: 22772592). This variant is reported in 0.10% of alleles in individuals of East Asian descent in gnomAD. This variant is interpreted as pathogenic.

3billion
Classification: Likely pathogenic for Bietti crystalline corneoretinal dystrophy. Last evaluated: 2025-04-29. Review status: criteria provided, single submitter. Criteria: ACMG Guidelines, 2015. Collection method: clinical testing. Allele origin: germline. Affected: yes.

SingHealth Duke-NUS Institute of Precision Medicine
Classification: Pathogenic for Bietti crystalline corneoretinal dystrophy. Last evaluated: 2025-02-05. Review status: criteria provided, single submitter. Criteria: PRISM ACMG Classification Criteria. Collection method: clinical testing. Allele origin: germline. Affected: yes.
Comment: Homozygous allele count in gnomAD exomes and genomes are less than 0 (PM2). More than 80% of missense variants in CYP4V2 are pathogenic (PP2). REVEL score is 0.846 (PP3_mod). Cosegregation with disease phenotypes has been observed in multiple families in the cohort (PP1). Functional study has shown the variant affects CYP4V2 function (PS3, PMID: 22772592)

Labcorp Genetics (formerly Invitae), Labcorp
Classification: Pathogenic. Last evaluated: 2024-12-13. Review status: criteria provided, single submitter. Criteria: Invitae Variant Classification Sherloc (09022015). Collection method: clinical testing. Allele origin: germline.
Comment: This sequence change replaces histidine, which is basic and polar, with proline, which is neutral and non-polar, at codon 331 of the CYP4V2 protein (p.His331Pro). This variant is present in population databases (rs199476197, gnomAD 0.1%). This missense change has been observed in individual(s) with Bietti crystalline corneoretinal dystrophy (PMID: 15042513, 25611614, 26971461, 28848678). In at least one individual the data is consistent with being in trans (on the opposite chromosome) from a pathogenic variant. It has also been observed to segregate with disease in related individuals. ClinVar contains an entry for this variant (Variation ID: 39275). Invitae Evidence Modeling of protein sequence and biophysical properties (such as structural, functional, and spatial information, amino acid conservation, physicochemical variation, residue mobility, and thermodynamic stability) indicates that this missense variant is expected to disrupt CYP4V2 protein function with a positive predictive value of 80%. Experimental studies have shown that this missense change affects CYP4V2 function (PMID: 22772592). For these reasons, this variant has been classified as Pathogenic.

Blueprint Genetics
Classification: Pathogenic for CYP4V2-related disorders. Last evaluated: 2024-07-11. Review status: criteria provided, single submitter. Criteria: ACMG Guidelines, 2015. Collection method: clinical testing. Allele origin: germline. Affected: yes. Observed: 5 variant alleles.

GeneDx
Classification: Pathogenic. Last evaluated: 2018-12-24. Review status: criteria provided, single submitter. Criteria: GeneDx Variant Classification (06012015). Collection method: clinical testing. Allele origin: germline. Affected: yes.
Comment: The H331P variant in the CYP4V2 gene has been reported previously in association with Bietti crystalline corneoretinal dystrophy (BCD), and is seen in 7.4% of alleles in the Chinese population with BCD (Xiao et al., 2011; Huang et al., 2015; Yin et al., 2016). The H331P variant is observed in 19/17248 (0.11%) alleles from individuals of East Asian background, in large population cohorts (Lek et al., 2016). The H331P variant is a non-conservative amino acid substitution, which is likely to impact secondary protein structure as these residues differ in polarity, charge, size and/or other properties. Functional studies show H331P has significantly lower steady-state protein expression levels compared to wild type and lipid profiling data are consistent with reduced metabolism of polyunsaturated fatty acids for the H331P variant (Nakano et al., 2012). We interpret H331P as a pathogenic variant.

Laboratory for Molecular Medicine, Mass General Brigham Personalized Medicine
Classification: Pathogenic for Bietti crystalline corneoretinal dystrophy. Last evaluated: 2017-08-01. Review status: criteria provided, single submitter. Criteria: LMM Criteria. Collection method: clinical testing. Allele origin: germline. Inheritance: Autosomal recessive inheritance. Observed: 1 variant allele.
Comment: The p.His331Pro (NM207352.3 c.992A>C) variant in CYP4V2 has been reported in at least 6 homozygous and 14 compound heterozygous individuals with Bietti crystall ine dystrophy and one family with retinitis pigmentosa (Huang 2015, Liu 2015, Yi n 2016, and Jiao 2017). In vitro functional studies on the p.His331Pro variant provide evidence supporting an impact on protein function (Nakano 2012). This va riant has been identified in 0.11% (19/17248) of East Asian chromosomes by the G enome Aggregation Database (gnomAD; dbSNP rs19 9476197). Although this variant has been seen in the general population, its fre quency is low enough to be consistent with a recessive carrier frequency. In sum mary, this variant meets criteria to be classified as pathogenic for Bietti crys talline dystrophy in an autosomal recessive manner based upon its biallelic occu rrence in affected individuals and impact in functional studies.

Juno Genomics, Hangzhou Juno Genomics, Inc
Classification: Pathogenic for Bietti crystalline corneoretinal dystrophy. Review status: criteria provided, single submitter. Criteria: ACMG Guidelines, 2015. Collection method: clinical testing. Allele origin: germline. Affected: yes.
Comment: Absent from controls (or at extremely low frequency if recessive) in Genome Aggregation Database, Exome Sequencing Project, 1000 Genomes Project, or Exome Aggregation Consortium.;For recessive disorders, detected in trans with a pathogenic variant.;Co-segregation with disease in multiple affected family members in a gene definitively known to cause the disease.;Well-established in vitro or in vivo functional studies supportive of a damaging effect on the gene or gene product.

GeneReviews
Classification: Pathogenic for Bietti Crystalline Dystrophy. Last evaluated: 2012-04-12. Review status: no assertion criteria provided. Collection method: curation. Allele origin: unknown. Not counted in ClinVar's aggregate classification.
ClinVar note: Converted during submission from pathologic to Pathogenic.

OMIM
Classification: Pathogenic for BIETTI CRYSTALLINE CORNEORETINAL DYSTROPHY. Last evaluated: 2005-06-01. Review status: no assertion criteria provided. Collection method: literature only. Allele origin: germline. Not counted in ClinVar's aggregate classification.

Literature cited by the submitters: PubMed 15042513 (cited by 3 submitters); PubMed 22772592 (cited by 3 submitters); PubMed 25611614 (cited by Labcorp Genetics (formerly Invitae), Labcorp and Laboratory for Molecular Medicine, Mass General Brigham Personalized Medicine); PubMed 26971461 (cited by Labcorp Genetics (formerly Invitae), Labcorp and Laboratory for Molecular Medicine, Mass General Brigham Personalized Medicine); PubMed 28848678 (cited by Labcorp Genetics (formerly Invitae), Labcorp); PubMed 25593508 (cited by Laboratory for Molecular Medicine, Mass General Brigham Personalized Medicine); PubMed 28051075 (cited by Laboratory for Molecular Medicine, Mass General Brigham Personalized Medicine); PubMed 25356976 (cited by Laboratory for Molecular Medicine, Mass General Brigham Personalized Medicine); PubMed 15937078 (cited by OMIM).

NM_207352.4(CYP4V2):c.992A>C (p.His331Pro)

Gene: CYP4V2 (cytochrome P450 family 4 subfamily V member 2; plus strand). Cytogenetic location: 4q35.2.
Variant type: single nucleotide variant.
Coding change: c.992A>C on transcript NM_207352.4 (MANE Select); coding-DNA position 992, A replaced by C.
Protein change: p.His331Pro; replaces histidine 331 with proline.
Molecular consequence: missense variant.
Genome position (GRCh38, 1-based): chr4:186,205,204, A>C. VCF-style: chr4-186205204-A-C. GRCh37 (hg19) VCF-style: chr4-187126358-A-C.
Other names: c.1296A>C; short protein forms H331P.
Identifiers: ClinVar variation 39275 (VCV000039275.26), dbSNP rs199476197, ClinGen allele CA343747.
Genomic context (GRCh38, chr4:186,205,204, plus strand): 5'-TCCTAATCATCGCAGCATAACTCTGCTTTTTAAGCTATTGTTTTCTGCATTTGTAGGGGC[A>C]CGATACAACTGCAGCTGCAATAAACTGGTCCTTATACCTGTTGGGTTCTAACCCAGAAGT-3'
Protein context (NP_997235.3, residues 321-341): EEVDTFMFEG[His331Pro]DTTAAAINWS